The following is an entry in ClinVar:

NM_000051.4(ATM):c.1169A>G (p.Glu390Gly)

Gene: ATM (ATM serine/threonine kinase; plus strand). Cytogenetic location: 11q22.3.
Variant type: single nucleotide variant.
Coding change: c.1169A>G on transcript NM_000051.4 (MANE Select); coding-DNA position 1169, A replaced by G.
Protein change: p.Glu390Gly; replaces glutamic acid 390 with glycine.
Molecular consequence: missense variant.
Genome position (GRCh38, 1-based): chr11:108,249,036, A>G. VCF-style: chr11-108249036-A-G. GRCh37 (hg19) VCF-style: chr11-108119763-A-G.
Other names: c.1169A>G, p.Glu390Gly (NM_001351834.2); short protein forms E390G.
Identifiers: ClinVar variation 1392571 (VCV001392571.6), dbSNP rs2135293668, ClinGen allele CA382532523.

ClinVar aggregate classification (germline): Uncertain significance (1 of 4 stars; one submission).

Conditions:
Ataxia-telangiectasia syndrome (AT). Also called: Ataxia-telangiectasia, complementation group D; Ataxia telangiectasia (A-T); Cerebello-oculocutaneous telangiectasia; Immunodeficiency with ataxia telangiectasia; ATAXIA-TELANGIECTASIA, COMPLEMENTATION GROUP A; ATAXIA-TELANGIECTASIA, FRESNO VARIANT. Identifiers: Orphanet 100, MedGen C0004135, MONDO:0008840, OMIM 208900.

Submission:

Labcorp Genetics (formerly Invitae), Labcorp
Classification: Uncertain significance for Ataxia-telangiectasia syndrome. Last evaluated: 2021-11-11. Review status: criteria provided, single submitter. Criteria: Invitae Variant Classification Sherloc (09022015). Collection method: clinical testing. Allele origin: germline.
Comment: This sequence change replaces glutamic acid, which is acidic and polar, with glycine, which is neutral and non-polar, at codon 390 of the ATM protein (p.Glu390Gly). This variant is not present in population databases (gnomAD no frequency). This variant has not been reported in the literature in individuals affected with ATM-related conditions. Advanced modeling of protein sequence and biophysical properties (such as structural, functional, and spatial information, amino acid conservation, physicochemical variation, residue mobility, and thermodynamic stability) performed at Invitae indicates that this missense variant is not expected to disrupt ATM protein function. In summary, the available evidence is currently insufficient to determine the role of this variant in disease. Therefore, it has been classified as a Variant of Uncertain Significance.